The following is an entry in ClinVar:

ClinVar aggregate classification (germline): Uncertain significance. Review status: criteria provided, multiple submitters, no conflicts (2 of 4 stars). 2 submissions from 2 submitters: Uncertain significance (2). Last evaluated 2024-02-28.

Conditions:
Cardiovascular phenotype. Identifiers: MedGen CN230736.
Familial hyperaldosteronism type III. Also called: FH III; Familial hyperaldosteronism type 3. Identifiers: Orphanet 251274, MedGen C3838758, MONDO:0013359, OMIM 613677.
Long QT syndrome 13 (LQT13). Identifiers: Orphanet 101016, Orphanet 768, MedGen C3150733, MONDO:0013279, OMIM 613485.

Allele frequency attached by ClinVar (database versions not stated): gnomAD 0.00001.
gnomAD v4.1: 1 of 1,614,022 alleles (0.000062%); highest among the groups gnomAD compares: African/African-American, 0.0013%; no homozygotes.

Submissions (2):

Fulgent Genetics
Classification: Uncertain significance for Long QT syndrome 13; Familial hyperaldosteronism type III. Last evaluated: 2024-02-28. Review status: criteria provided, single submitter. Criteria: ACMG Guidelines, 2015. Collection method: clinical testing. Allele origin: germline.

Ambry Genetics
Classification: Uncertain significance for Cardiovascular phenotype. Last evaluated: 2022-09-08. Review status: criteria provided, single submitter. Criteria: Ambry Variant Classification Scheme 2023. Collection method: clinical testing. Allele origin: germline.
Comment: The p.R6S variant (also known as c.18G>T), located in coding exon 1 of the KCNJ5 gene, results from a G to T substitution at nucleotide position 18. The arginine at codon 6 is replaced by serine, an amino acid with dissimilar properties. This amino acid position is well conserved in available vertebrate species. In addition, the in silico prediction for this alteration is inconclusive. Since supporting evidence is limited at this time, the clinical significance of this alteration remains unclear.

NM_000890.5(KCNJ5):c.18G>T (p.Arg6Ser)

Gene: KCNJ5 (potassium inwardly rectifying channel subfamily J member 5; plus strand). Cytogenetic location: 11q24.3.
Variant type: single nucleotide variant.
Coding change: c.18G>T on transcript NM_000890.5 (MANE Select); coding-DNA position 18, G replaced by T.
Protein change: p.Arg6Ser; replaces arginine 6 with serine.
Molecular consequence: missense variant.
Genome position (GRCh38, 1-based): chr11:128,911,291, G>T. VCF-style: chr11-128911291-G-T. GRCh37 (hg19) VCF-style: chr11-128781186-G-T.
Other names: c.18G>T, p.Arg6Ser (NM_001354169.2); short protein forms R6S.
Identifiers: ClinVar variation 1782286 (VCV001782286.3), dbSNP rs1944493093, ClinGen allele CA383245183.